The following is an entry in ClinVar:

ClinVar aggregate classification (germline): Uncertain significance (1 of 4 stars; one submission).

Submission:

Labcorp Genetics (formerly Invitae), Labcorp
Classification: Uncertain significance. Last evaluated: 2025-11-01. Review status: criteria provided, single submitter. Criteria: Invitae Variant Classification Sherloc (09022015). Collection method: clinical testing. Allele origin: germline.
Comment: This sequence change creates a premature translational stop signal (p.Met90Hisfs*21) in the C1QC gene. While this is not anticipated to result in nonsense mediated decay, it is expected to disrupt the last 156 amino acid(s) of the C1QC protein. This variant is not present in population databases (gnomAD no frequency). This variant has not been reported in the literature in individuals affected with C1QC-related conditions. Experimental studies and prediction algorithms are not available or were not evaluated, and the functional significance of this variant is currently unknown. In summary, the available evidence is currently insufficient to determine the role of this variant in disease. Therefore, it has been classified as a Variant of Uncertain Significance.

NM_172369.5(C1QC):c.267dup (p.Met90fs)

Gene: C1QC (complement C1q C chain; plus strand). Cytogenetic location: 1p36.12.
Variant type: Duplication.
Coding change: c.267dup on transcript NM_172369.5 (MANE Select); coding-DNA position 267, one base duplicated (C; older notation c.267dupC).
Protein change: p.Met90fs; shifts the reading frame from methionine 90.
Molecular consequence: frameshift variant.
Genome position (GRCh38, 1-based): chr1:22,647,312, C duplicated; the last of 4 consecutive C bases (chr1:22,647,309-22,647,312); duplicating any one gives the same sequence. VCF-style (leftmost placement, unchanged base first): chr1-22647308-G-GC. GRCh37 (hg19) VCF-style: chr1-22973801-G-GC.
Other names: c.267dup, p.Met90fs (NM_001114101.3, NM_001347619.2); c.-1dup, p.Met1fs (NM_001347620.2); short protein forms M1fs, M90fs.
Identifiers: ClinVar variation 4760108 (VCV004760108.1).